The following is an entry in ClinVar:

NM_138694.4(PKHD1):c.449-6A>G

Gene: PKHD1 (PKHD1 ciliary IPT domain containing fibrocystin/polyductin; minus strand). Cytogenetic location: 6p12.2.
Variant type: single nucleotide variant.
Coding change: c.449-6A>G on transcript NM_138694.4 (MANE Select); 6 bases into the intron before coding-DNA position 449, A replaced by G.
Molecular consequence: intron variant.
Genome position (GRCh38, 1-based): chr6:52,073,547, T>C on the plus strand (A>G on the coding strand, the complement: PKHD1 is on the minus strand). VCF-style: chr6-52073547-T-C. GRCh37 (hg19) VCF-style: chr6-51938345-T-C.
Other names: c.449-6A>G (NM_170724.3).
Identifiers: ClinVar variation 704410 (VCV000704410.9), dbSNP rs200204976, ClinGen allele CA138926642.

ClinVar aggregate classification (germline): Likely benign. Review status: criteria provided, multiple submitters, no conflicts (2 of 4 stars). 2 submissions from 2 submitters: Likely benign (2). Last evaluated 2025-11-18.

Conditions:
PKHD1-related disorder. Also called: PKHD1-related condition.
Autosomal recessive polycystic kidney disease (ARPKD). Also called: AR polycystic kidney disease. Identifiers: Orphanet 731, Orphanet 8378, MedGen C0085548, MeSH D017044, MONDO:0009889.

Allele frequency attached by ClinVar (database versions not stated): TOPMed below 0.00001; gnomAD 0.00001; gnomAD exomes 0.00001.
gnomAD v4.1: 24 of 1,555,468 alleles (0.0015%); highest among the groups gnomAD compares: Non-Finnish European, 0.0021%; no homozygotes.

Submissions (2):

PreventionGenetics, part of Exact Sciences
Classification: Likely benign for PKHD1-related condition. Last evaluated: 2025-11-18. Review status: criteria provided, single submitter. Criteria: ACMG Guidelines, 2015. Collection method: clinical testing. Allele origin: germline.
Comment: This variant is classified as likely benign based on ACMG/AMP sequence variant interpretation guidelines (Richards et al. 2015 PMID: 25741868, with internal and published modifications).

Labcorp Genetics (formerly Invitae), Labcorp
Classification: Likely benign for Autosomal recessive polycystic kidney disease. Last evaluated: 2024-01-02. Review status: criteria provided, single submitter. Criteria: Invitae Variant Classification Sherloc (09022015). Collection method: clinical testing. Allele origin: germline.